The following continues an entry in ClinVar:

NM_006005.3(WFS1):c.124C>T (p.Arg42Ter)

Gene: WFS1. ClinVar aggregate classification (germline): Pathogenic/Likely pathogenic. Pathogenic (7); Likely pathogenic (9).

Submissions 11 to 17 of 17:

Ambry Genetics
Classification: Likely pathogenic for Inborn genetic diseases. Last evaluated: 2021-09-30. Review status: criteria provided, single submitter. Criteria: Ambry Variant Classification Scheme 2023. Collection method: clinical testing. Allele origin: germline.
Comment: The c.124C>T (p.R42*) alteration, located in exon 2 (coding exon 1) of the WFS1 gene, consists of a C to T substitution at nucleotide position 124. This changes the amino acid from a arginine (R) to a stop codon at amino acid position 42.This alteration is expected to result in loss of function by premature protein truncation or nonsense-mediated mRNA decay. Based on the supporting evidence, this variant is unlikely to be causative of autosomal dominant WFS1-related Wolfram syndrome and autosomal dominant WFS1-related low frequency sensorineural hearing loss; however, it would be expected to be causative of autosomal recessive WFS1-related Wolfram syndrome based on mechanism of disease. Based on data from gnomAD, the T allele has an overall frequency of 0.01% (22/225882) total alleles studied. The highest observed frequency was 0.02% (17/97912) of European (non-Finnish) alleles. Based on the available evidence, this alteration is classified as likely pathogenic.

New York Genome Center
Classification: Likely pathogenic for Wolfram syndrome 1; Wolfram-like syndrome. Last evaluated: 2021-03-01. Review status: criteria provided, single submitter. Criteria: NYGC Assertion Criteria 2020. Collection method: clinical testing. Allele origin: germline. Observed: 1 heterozygote.
Comment: The c.124C>T, p.Arg42Ter nonsense variant identified in WFS1 has been reported individuals with Wolfram syndrome [PMID:31980526], type 2 diabetes [PMID:20028947], and chronic progressive external ophthalmoplegia [PMID:31521625]. This variant is not reported in gnomAD v3 database, indicating this is a rare allele. This nonsense variant leads to a premature termination codon at position 42, which is predicted to lead to a truncated or absent protein. Heterozygous carries of pathogenic WFS1 variants may be at risk for developing low frequency sensorineural hearing loss and/or diabetes mellitus [PMID:18040659,17603484, 9856492]. Based on the available evidence, the variant c.124C>T, p.Arg42Ter in the WFS1 gene is classified as likely pathogenic.

Center for Pediatric Genomic Medicine, Children's Mercy Hospital and Clinics
Classification: Likely pathogenic. Last evaluated: 2017-04-10. Review status: criteria provided, single submitter. Criteria: ACMG Guidelines, 2015. Collection method: clinical testing. Allele origin: germline.

Centre for Mendelian Genomics, University Medical Centre Ljubljana
Classification: Pathogenic for Type 2 diabetes mellitus. Last evaluated: 2016-01-01. Review status: criteria provided, single submitter. Criteria: ACMG Guidelines, 2015. Collection method: clinical testing. Allele origin: unknown. Affected: yes.
Comment: This variant was classified as: Pathogenic. The following ACMG criteria were applied in classifying this variant: PVS1,PM2,PP4,PP5.

Laboratory for Molecular Medicine, Mass General Brigham Personalized Medicine
Classification: Pathogenic for Wolfram syndrome. Last evaluated: 2013-11-19. Review status: criteria provided, single submitter. Criteria: LMM Criteria. Collection method: clinical testing. Allele origin: germline. Inheritance: Autosomal recessive inheritance. Observed: 1 variant allele. Study: CSER-MedSeq.
Comment: The Arg42X variant in WFS1 has not been previously identified in individuals with Wolfram syndrome, but has been identified in 0.02% (1/8540) of European American chromosomes by the NHLBI Exome Sequencing Project (dbSNP rs71530923). Although this variant has been seen in the general population, its frequency is low enough to be consistent with a pathogenic interpretation. This nonsense variant leads to a premature termination codon at position 42, which is predicted to lead to a truncated or absent protein. Heterozygous carries of pathogenic WFS1 variants may be at risk for developing low frequency sensorineural hearing loss and/or diabetes mellitus (Ohata 1998, Sandhu 2007, Franks 2008). In summary, this variant meets our criteria to be classified as pathogenic.

Clinical Genomics, Uppaluri K&H Personalized Medicine Clinic
Classification: Likely pathogenic for Wolfram syndrome 1. Review status: criteria provided, single submitter. Criteria: K & H Uppaluri Personalized Medicine Clinic Variant Classification & Assertion Criteria_Updated V.1. Collection method: research. Allele origin: unknown. Inheritance: Autosomal recessive inheritance.
Comment: Mutations in WFS1 gene are associated with Wolfram's syndrome, an autosomal recessive condition, which cause diabetes mellitus, diabetes insipidus, deafness and optic atrophy. rs71530923 variant is also seen in patients with Diabetes Mellitus. However, the role of this particular variant is yet to be ascertained.

Center for Computational Biology & Bioinformatics, University of California, San Diego
Classification: Uncertain significance for Meniere disease. Last evaluated: 2024-06-03. Review status: no assertion criteria provided. Collection method: research. Allele origin: germline. Affected: yes. Not counted in ClinVar's aggregate classification.

Literature cited by the submitters: PubMed 12955714 (cited by Labcorp Genetics (formerly Invitae), Labcorp); PubMed 31521625 (cited by Labcorp Genetics (formerly Invitae), Labcorp and Women's Health and Genetics/Laboratory Corporation of America, LabCorp); PubMed 33031055 (cited by Variantyx, Inc.); PubMed 35206658 (cited by Variantyx, Inc. and Women's Health and Genetics/Laboratory Corporation of America, LabCorp); PubMed 34556497 (cited by Variantyx, Inc. and Women's Health and Genetics/Laboratory Corporation of America, LabCorp); PubMed 30245029 (cited by Women's Health and Genetics/Laboratory Corporation of America, LabCorp); PubMed 31980526 (cited by Women's Health and Genetics/Laboratory Corporation of America, LabCorp); PubMed 27167055 (cited by Women's Health and Genetics/Laboratory Corporation of America, LabCorp); PubMed 36208030 (cited by Women's Health and Genetics/Laboratory Corporation of America, LabCorp); PubMed 20028947 (cited by Women's Health and Genetics/Laboratory Corporation of America, LabCorp); PubMed 34356170 (cited by Women's Health and Genetics/Laboratory Corporation of America, LabCorp); PubMed 17603484 (cited by Laboratory for Molecular Medicine, Mass General Brigham Personalized Medicine); PubMed 18040659 (cited by Laboratory for Molecular Medicine, Mass General Brigham Personalized Medicine); PubMed 9856492 (cited by Laboratory for Molecular Medicine, Mass General Brigham Personalized Medicine); PubMed 25714468 (cited by Clinical Genomics, Uppaluri K&H Personalized Medicine Clinic).